The following is an entry in ClinVar:

ClinVar aggregate classification (germline): Uncertain significance (1 of 4 stars; one submission).

Conditions:
Inborn genetic diseases. Identifiers: MedGen C0950123, MeSH D030342.

Allele frequency attached by ClinVar (database versions not stated): gnomAD exomes below 0.00001; ExAC 0.00001; gnomAD 0.00005; TOPMed 0.00006; ESP Exome Variant Server 0.00008; 1000 Genomes Project 30x 0.00016; 1000 Genomes Project 0.00020.
gnomAD v4.1: 12 of 1,614,136 alleles (0.00074%); highest among the groups gnomAD compares: African/African-American, 0.016%; no homozygotes.

Submission:

Ambry Genetics
Classification: Uncertain significance for Inborn genetic diseases. Last evaluated: 2021-11-05. Review status: criteria provided, single submitter. Criteria: Ambry Variant Classification Scheme 2023. Collection method: clinical testing. Allele origin: germline.
Comment: The p.L348R variant (also known as c.1043T>G), located in coding exon 5 of the LTBP3 gene, results from a T to G substitution at nucleotide position 1043. The leucine at codon 348 is replaced by arginine, an amino acid with dissimilar properties. This amino acid position is conserved. In addition, the in silico prediction for this alteration is inconclusive. Since supporting evidence is limited at this time, the clinical significance of this alteration remains unclear.

NM_001130144.3(LTBP3):c.1043T>G (p.Leu348Arg)

Gene: LTBP3 (latent transforming growth factor beta binding protein 3; minus strand). Cytogenetic location: 11q13.1.
Variant type: single nucleotide variant.
Coding change: c.1043T>G on transcript NM_001130144.3 (MANE Select); coding-DNA position 1043, T replaced by G.
Protein change: p.Leu348Arg; replaces leucine 348 with arginine.
Molecular consequence: missense variant.
Genome position (GRCh38, 1-based): chr11:65,553,184, A>C on the plus strand (T>G on the coding strand, the complement: LTBP3 is on the minus strand). VCF-style: chr11-65553184-A-C. GRCh37 (hg19) VCF-style: chr11-65320655-A-C.
Other names: c.692T>G, p.Leu231Arg (NM_001164266.1); c.1043T>G, p.Leu348Arg (NM_021070.4); short protein forms L231R, L348R.
Identifiers: ClinVar variation 1774809 (VCV001774809.2), dbSNP rs201889974, ClinGen allele CA6101094.